The following is an entry in ClinVar:

NC_000015.10:g.63069942A>C

Gene: TPM1 (tropomyosin 1; plus strand). Cytogenetic location: 15q22.2.
Variant type: single nucleotide variant.
Molecular consequence: stop lost (on NM_001018008.2). On other transcripts: non-coding transcript variant (5), intron variant (8).
Genome position: GRCh38 VCF-style: chr15-63069942-A-C. GRCh37 (hg19) VCF-style: chr15-63362141-A-C.
Other names: *246S; *282S; c.737A>C, p.Ter246Ser (NM_001018008.2, NM_001330351.2); c.845A>C, p.Ter282Ser (NM_001365776.1, NM_001407336.1, NM_001407337.1 and 1 more transcripts); c.899-1148A>C (NM_001365778.1); c.773-1148A>C (NM_001018020.2, NM_001018007.2, NM_001018006.2 and 1 more transcripts); c.852-1148A>C (NM_001407326.1); c.665-1148A>C (NM_001330344.2, NM_001301289.2).
Identifiers: ClinVar variation 927127 (VCV000927127.6), dbSNP rs139159081, ClinGen allele CA033751.
Genomic context (GRCh38, chr15:63,069,942, plus strand): 5'-AGCAACTTGAGCAAAATCGCCGCCTCACTAATGAACTAAAGCTGGCCCTGAATGAGGATT[A>C]AACTTAAGAGTGAAAAAACTTGGGCTGAATTCTAGGCGTGGAGCCCATGTGCAGAAAATC-3'

ClinVar aggregate classification (germline): Conflicting classifications of pathogenicity. Review status: criteria provided, conflicting classifications (1 of 4 stars). 2 submissions from 2 submitters: Uncertain significance (1); Likely benign (1). Last evaluated 2023-12-27.

Conditions:
Cardiomyopathy (CMYO). Also called: Cardiomyopathies. Identifiers: Orphanet 167848, MedGen C0878544, MONDO:0004994, HP:0001638. Inheritance: Various modes of inheritance.

Allele frequency attached by ClinVar (database versions not stated): gnomAD exomes 0.00005 and 0.00031; gnomAD 0.00006 and 0.00005; TOPMed 0.00006; ExAC 0.00007; ESP Exome Variant Server 0.00023.
gnomAD v4.1: 445 of 1,613,962 alleles (0.028%); highest among the groups gnomAD compares: Non-Finnish European, 0.037%; no homozygotes.

Submissions (2):

GeneDx
Classification: Uncertain significance. Last evaluated: 2023-12-27. Review status: criteria provided, single submitter. Criteria: GeneDx Variant Classification Process June 2021. Collection method: clinical testing. Allele origin: germline. Affected: yes.
Comment: Has not been previously published as pathogenic or benign to our knowledge; Normal stop codon changed to a Serine codon, leading to the addition of 2 amino acids at the C-terminus

Color Diagnostics, LLC DBA Color Health
Classification: Likely benign for Cardiomyopathy. Last evaluated: 2018-05-12. Review status: criteria provided, single submitter. Criteria: ACMG Guidelines, 2015. Collection method: clinical testing. Allele origin: germline.